The following is an entry in ClinVar:

ClinVar aggregate classification (germline): Uncertain significance (1 of 4 stars; one submission).

Conditions:
Microcephaly, seizures, and developmental delay. Identifiers: Orphanet 1934, MedGen C3150667, MONDO:0013254, OMIM 613402.

Submission:

Neuberg Centre For Genomic Medicine, NCGM
Classification: Uncertain significance for Microcephaly, seizures, and developmental delay. Review status: criteria provided, single submitter. Criteria: ACMG Guidelines, 2015. Collection method: clinical testing. Allele origin: germline. Affected: yes.
Comment: The missense variant p.P119Q in PNKP (NM_007254.4) has not been reported previously as a pathogenic variant nor as a benign variant, to our knowledge. The p.P119Q variant is novel (not in any individuals) in gnomAD Exomes and is novel (not in any individuals) in 1000 Genomes. There is a moderate physicochemical difference between proline and glutamine. For these reasons, this variant has been classified as Uncertain Significance.

NM_007254.4(PNKP):c.356C>A (p.Pro119Gln)

Gene: PNKP (polynucleotide kinase 3'-phosphatase; minus strand). Cytogenetic location: 19q13.33.
Variant type: single nucleotide variant.
Coding change: c.356C>A on transcript NM_007254.4 (MANE Select); coding-DNA position 356, C replaced by A.
Protein change: p.Pro119Gln; replaces proline 119 with glutamine.
Molecular consequence: missense variant.
Genome position (GRCh38, 1-based): chr19:49,865,269, G>T on the plus strand (C>A on the coding strand, the complement: PNKP is on the minus strand). VCF-style: chr19-49865269-G-T. GRCh37 (hg19) VCF-style: chr19-50368526-G-T.
Other names: short protein forms P119Q.
Identifiers: ClinVar variation 1339147 (VCV001339147.2), dbSNP rs1477930328, ClinGen allele CA406890009.